The following is an entry in ClinVar:

NM_014334.4(FRRS1L):c.-14A>G

Gene: FRRS1L (ferric chelate reductase 1 like; minus strand). Cytogenetic location: 9q31.3.
Variant type: single nucleotide variant.
Coding change: c.-14A>G on transcript NM_014334.4 (MANE Select); 14 bases upstream of the start codon, A replaced by G.
Molecular consequence: 5 prime UTR variant.
Genome position (GRCh38, 1-based): chr9:109,167,152, T>C on the plus strand (A>G on the coding strand, the complement: FRRS1L is on the minus strand). VCF-style: chr9-109167152-T-C. GRCh37 (hg19) VCF-style: chr9-111929432-T-C.
Identifiers: ClinVar variation 3572728 (VCV003572728.1).

ClinVar aggregate classification (germline): Uncertain significance (1 of 4 stars; one submission).

Submission:

GeneDx
Classification: Uncertain significance. Last evaluated: 2024-07-11. Review status: criteria provided, single submitter. Criteria: GeneDx Variant Classification Process June 2021. Collection method: clinical testing. Allele origin: germline. Affected: yes.
Comment: Not observed at significant frequency in large population cohorts (gnomAD); In silico analysis indicates that this missense variant does not alter protein structure/function; Has not been previously published as pathogenic or benign to our knowledge